The following is an entry in ClinVar:

GRCh37/hg19 2p24.3-24.1(chr2:15640273-19609496)x1

Genes: SMC6 (structural maintenance of chromosomes 6; minus strand), VSNL1 (visinin like 1; plus strand), CYRIA (CYFIP related Rac1 interactor A; minus strand), DDX1 (DEAD-box helicase 1; plus strand), GEN1 (GEN1 Holliday junction 5' flap endonuclease; plus strand) and 10 more. Cytogenetic location: 2p24.3-24.1.
Variant type: copy number loss.
Change: copy number 1 (one copy instead of two) of chr2:15,640,273-19,609,496 (3.97 Mb, GRCh37 coordinates, 1-based), cytogenetic band 2p24.3-24.1.
Identifiers: ClinVar variation 1180531 (VCV001180531.4).

ClinVar aggregate classification (germline): Pathogenic (1 of 4 stars; one submission).

Submission:

Illumina Laboratory Services, Illumina
Classification: Pathogenic. Last evaluated: 2020-02-06. Review status: criteria provided, single submitter. Criteria: ICSL CNVClassificationCriteria Jul2020Prior. Collection method: clinical testing. Allele origin: unknown.
Comment: This CNV is a 4.0 Mb deletion of 2p24.3-p24.1 on chromosome 2, (seq[GRCh37]del(2)(2p24.3p24.1); chr2:g.15640273_19609496del), found in a de novo state. This CNV constitutes a loss affecting 22 genes, including complete loss of the MYCN gene and with one of the breakpoints lying within the NBAS gene. MYCN haploinsufficiency is associated with Feingold syndrome, and deletions of the MYCN resulting from CNVs that overlap the proband's have been reported in individuals with features of Feingold syndrome, including microcephaly, intellectual disability, hearing impairment, micrognathia, brachymesophalangy of the second and the fifth fingers, and clinodactyly of the fifth finger (Marcelis et al. 2008; Cognet et al. 2011; Chen et al. 2012). This CNV has not been previously reported in control or clinical populations (Firth et al. 2009; Cooper et al. 2011; MacDonald et al 2014; Landrum et al. 2016). Based on the collective evidence, this CNV is classified as pathogenic.

Literature cited by the submitters: PubMed 18470948; PubMed 19344873; PubMed 21224895; PubMed 21841781; PubMed 22842076; PubMed 24174537; PubMed 26582918.